The following is an entry in ClinVar:

NM_020989.4(CRYGC):c.271C>T (p.Arg91Trp)

Genes: CRYGC (crystallin gamma C; minus strand), LOC100507443 (uncharacterized LOC100507443; plus strand). Cytogenetic location: 2q33.3.
Variant type: single nucleotide variant.
Coding change: c.271C>T on transcript NM_020989.4 (MANE Select); coding-DNA position 271, C replaced by T.
Protein change: p.Arg91Trp; replaces arginine 91 with tryptophan.
Molecular consequence: missense variant.
Genome position (GRCh38, 1-based): chr2:208,128,457, G>A on the plus strand (C>T on the coding strand, the complement: CRYGC is on the minus strand). VCF-style: chr2-208128457-G-A. GRCh37 (hg19) VCF-style: chr2-208993181-G-A.
Other names: short protein forms R91W.
Identifiers: ClinVar variation 705895 (VCV000705895.11), dbSNP rs140120148, ClinGen allele CA2077877.

ClinVar aggregate classification (germline): Likely benign. Review status: criteria provided, single submitter (1 of 4 stars). 2 submissions from 2 submitters: Likely benign (1). 1 of the submissions does not count toward it. Last evaluated 2022-04-11.

Conditions:
Nuclear pulverulent cataract (CTRCT2). Identifiers: MedGen C1852438, HP:0010698.
CRYGC-related disorder. Also called: CRYGC-related condition.

Allele frequency attached by ClinVar (database versions not stated): TOPMed 0.00104; gnomAD 0.00108 and 0.00116; ESP Exome Variant Server 0.00138; 1000 Genomes Project 30x 0.00141; 1000 Genomes Project 0.00100.
gnomAD v4.1: 293 of 1,614,150 alleles (0.018%); highest among the groups gnomAD compares: African/African-American, 0.35%; no homozygotes.

Submissions (2):

Labcorp Genetics (formerly Invitae), Labcorp
Classification: Likely benign for Nuclear pulverulent cataract. Last evaluated: 2022-04-11. Review status: criteria provided, single submitter. Criteria: Invitae Variant Classification Sherloc (09022015). Collection method: clinical testing. Allele origin: germline.

PreventionGenetics, part of Exact Sciences
Classification: Likely benign for CRYGC-related condition. Last evaluated: 2022-12-08. Review status: no assertion criteria provided. Collection method: clinical testing. Allele origin: germline. Not counted in ClinVar's aggregate classification.
Comment: This variant is classified as likely benign based on ACMG/AMP sequence variant interpretation guidelines (Richards et al. 2015 PMID: 25741868, with internal and published modifications).